The following is an entry in ClinVar:

NM_001001557.4(GDF6):c.131_132delinsTT (p.Arg44Leu)

Gene: GDF6 (growth differentiation factor 6; minus strand). Cytogenetic location: 8q22.1.
Variant type: Indel.
Coding change: c.131_132delinsTT on transcript NM_001001557.4 (MANE Select); coding-DNA positions 131 to 132, GA replaced by TT.
Protein change: p.Arg44Leu; replaces arginine 44 with leucine.
Molecular consequence: missense variant.
Genome position (GRCh38, 1-based): chr8:96,160,561-96,160,562, TC replaced by AA on the plus strand (GA replaced by TT on the coding strand, the reverse complement: GDF6 is on the minus strand). VCF-style: chr8-96160561-TC-AA. GRCh37 (hg19) VCF-style: chr8-97172789-TC-AA.
Other names: short protein forms R44L.
Identifiers: ClinVar variation 1995093 (VCV001995093.4), dbSNP rs2487849764, ClinGen allele CA2580079133.
Genomic context (GRCh38, chr8:96,160,561, plus strand): 5'-GCCCTCCCGGCCCGCGTCACTGTCGCGCGGCGCCCGCTGCATCTTGCCTTCCTTGCGGCT[TC>AA]GCATGCCCTTGGTGGAACCCAGCTCGGCGGACGACGAGGAGGATGAGATGGAAGCCTGCT-3'
Protein context (NP_001001557.1, residues 34-54): SAELGSTKGM[Arg44Leu]SRKEGKMQRA

ClinVar aggregate classification (germline): Uncertain significance (1 of 4 stars; one submission).

Conditions:
Isolated microphthalmia 4. Identifiers: Orphanet 2542, MedGen C2751307, MONDO:0013130, OMIM 613094.
Klippel-Feil syndrome 1, autosomal dominant (KFS1). Also called: CERVICAL VERTEBRAL FUSION, AUTOSOMAL DOMINANT. Identifiers: Orphanet 2345, MedGen C1861689, MONDO:0007306, OMIM 118100.
Microphthalmia, isolated, with coloboma 6 (MCOPCB6). Also called: Microphthalmia with coloboma 6, digenic; Microphthalmia with coloboma 6; MICROPHTHALMIA/COLOBOMA 6. Identifiers: Orphanet 98938, MedGen C3150968, MONDO:0013376, OMIM 613703.
Leber congenital amaurosis 17 (LCA17). Identifiers: Orphanet 65, MedGen C3715164, MONDO:0014145, OMIM 615360.

Submission:

Labcorp Genetics (formerly Invitae), Labcorp
Classification: Uncertain significance for Isolated microphthalmia 4; Leber congenital amaurosis 17; Klippel-Feil syndrome 1, autosomal dominant; Microphthalmia, isolated, with coloboma 6. Last evaluated: 2024-04-29. Review status: criteria provided, single submitter. Criteria: Invitae Variant Classification Sherloc (09022015). Collection method: clinical testing. Allele origin: germline.
Comment: This sequence change replaces arginine, which is basic and polar, with leucine, which is neutral and non-polar, at codon 44 of the GDF6 protein (p.Arg44Leu). Information on the frequency of this variant in the gnomAD database is not available, as this variant may be reported differently in the database. This variant has not been reported in the literature in individuals affected with GDF6-related conditions. ClinVar contains an entry for this variant (Variation ID: 1995093). An algorithm developed to predict the effect of missense changes on protein structure and function (PolyPhen-2) suggests that this variant is likely to be tolerated. In summary, the available evidence is currently insufficient to determine the role of this variant in disease. Therefore, it has been classified as a Variant of Uncertain Significance.